The following is an entry in ClinVar:

NM_001134407.3(GRIN2A):c.2456G>T (p.Gly819Val)

Gene: GRIN2A (glutamate ionotropic receptor NMDA type subunit 2A; minus strand). Cytogenetic location: 16p13.2.
Variant type: single nucleotide variant.
Coding change: c.2456G>T on transcript NM_001134407.3 (MANE Select); coding-DNA position 2456, G replaced by T.
Protein change: p.Gly819Val; replaces glycine 819 with valine.
Molecular consequence: missense variant.
Genome position (GRCh38, 1-based): chr16:9,768,990, C>A on the plus strand (G>T on the coding strand, the complement: GRIN2A is on the minus strand). VCF-style: chr16-9768990-C-A. GRCh37 (hg19) VCF-style: chr16-9862847-C-A.
Other names: c.2456G>T, p.Gly819Val (NM_000833.5, NM_001134408.2); short protein forms G819V.
Identifiers: ClinVar variation 1220080 (VCV001220080.3), dbSNP rs2141150812, ClinGen allele CA394710096.

ClinVar aggregate classification (germline): Likely pathogenic (1 of 4 stars; one submission).

Submission:

GeneDx
Classification: Likely pathogenic. Last evaluated: 2019-11-25. Review status: criteria provided, single submitter. Criteria: GeneDx Variant Classification Process June 2021. Collection method: clinical testing. Allele origin: germline. Affected: yes.
Comment: Not observed in large population cohorts (Lek et al., 2016); In silico analysis, which includes protein predictors and evolutionary conservation, supports a deleterious effect; Has not been previously published as pathogenic or benign to our knowledge